The following is an entry in ClinVar:

NM_024642.5(GALNT12):c.318C>G (p.Tyr106Ter)

Gene: GALNT12 (polypeptide N-acetylgalactosaminyltransferase 12; plus strand). Cytogenetic location: 9q22.33.
Variant type: single nucleotide variant.
Coding change: c.318C>G on transcript NM_024642.5 (MANE Select); coding-DNA position 318, C replaced by G.
Protein change: p.Tyr106Ter; replaces tyrosine 106 with a stop codon.
Molecular consequence: nonsense.
Genome position (GRCh38, 1-based): chr9:98,808,016, C>G. VCF-style: chr9-98808016-C-G. GRCh37 (hg19) VCF-style: chr9-101570298-C-G.
Other names: short protein forms Y106*.
Identifiers: ClinVar variation 3663471 (VCV003663471.2).
Genomic context (GRCh38, chr9:98,808,016, plus strand): 5'-GCAGGGCGAGGAGCTGCGGCTGCAGGAGGAGAGCGTGCGGCTGCACCAGATTAACATCTA[C>G]CTCAGCGACCGCATCTCACTGCACCGCCGCCTGCCCGAGCGCTGGAACCCGCTGTGAGTG-3'

ClinVar aggregate classification (germline): Uncertain significance (1 of 4 stars; one submission).

Submission:

Labcorp Genetics (formerly Invitae), Labcorp
Classification: Uncertain significance. Last evaluated: 2024-08-27. Review status: criteria provided, single submitter. Criteria: Invitae Variant Classification Sherloc (09022015). Collection method: clinical testing. Allele origin: germline.
Comment: This sequence change creates a premature translational stop signal (p.Tyr106*) in the GALNT12 gene. It is expected to result in an absent or disrupted protein product. However, the current clinical and genetic evidence is not sufficient to establish whether loss-of-function variants in GALNT12 cause disease. This variant is not present in population databases (gnomAD no frequency). This variant has not been reported in the literature in individuals affected with GALNT12-related conditions. In summary, the available evidence is currently insufficient to determine the role of this variant in disease. Therefore, it has been classified as a Variant of Uncertain Significance.